The following is an entry in ClinVar:

ClinVar aggregate classification (germline): Likely benign (1 of 4 stars; one submission).

Submission:

Molecular Diagnostic Laboratory for Inherited Cardiovascular Disease, Montreal Heart Institute
Classification: Likely benign. Last evaluated: 2025-04-09. Review status: criteria provided, single submitter. Criteria: ACMG Guidelines, 2015. Collection method: clinical testing. Allele origin: germline. Affected: no.
Comment: BP1

NM_001267550.2(TTN):c.101537T>C (p.Met33846Thr)

Genes: TTN (titin; minus strand), TTN-AS1 (TTN antisense RNA 1; plus strand). Cytogenetic location: 2q31.2.
Variant type: single nucleotide variant.
Coding change: c.101537T>C on transcript NM_001267550.2 (MANE Select); coding-DNA position 101537, T replaced by C.
Protein change: p.Met33846Thr; replaces methionine 33846 with threonine.
Molecular consequence: missense variant.
Genome position (GRCh38, 1-based): chr2:178,535,078, A>G on the plus strand (T>C on the coding strand, the complement: TTN is on the minus strand). VCF-style: chr2-178535078-A-G. GRCh37 (hg19) VCF-style: chr2-179399805-A-G.
Other names: c.96614T>C, p.Met32205Thr (NM_001256850.1); c.74342T>C, p.Met24781Thr (NM_003319.4); c.93833T>C, p.Met31278Thr (NM_133378.4); c.74717T>C, p.Met24906Thr (NM_133432.3); c.74918T>C, p.Met24973Thr (NM_133437.4); short protein forms M24781T, M24906T, M24973T, M31278T, M32205T, M33846T.
Identifiers: ClinVar variation 3895286 (VCV003895286.1).